The following is an entry in ClinVar:

NM_203475.3(PORCN):c.874_877dup (p.Glu293fs)

Gene: PORCN (porcupine O-acyltransferase; plus strand). Cytogenetic location: Xp11.23.
Variant type: Duplication.
Coding change: c.874_877dup on transcript NM_203475.3 (MANE Select); coding-DNA positions 874 to 877, 4 bases duplicated (GTGG; older notation c.874_877dupGTGG).
Protein change: p.Glu293fs; shifts the reading frame from glutamic acid 293.
Molecular consequence: frameshift variant. On other transcripts: non-coding transcript variant (2).
Genome position (GRCh38, 1-based): chrX:48,514,553-48,514,556, GTGG duplicated. VCF-style (leftmost placement, unchanged base first): chrX-48514552-T-TGTGG. GRCh37 (hg19) VCF-style: chrX-48372940-T-TGTGG.
Other names: c.628_631dup, p.Glu211fs (NM_001282167.2); c.1198_1201dup, p.Glu401fs (NM_001441333.1); c.1180_1183dup, p.Glu395fs (NM_001441334.1); c.946_949dup, p.Glu317fs (NM_001441335.1); c.1033_1036dup, p.Glu346fs (NM_001441336.1); c.841_844dup, p.Glu282fs (NM_022825.4); c.859_862dup, p.Glu288fs (NM_203473.3); c.856_859dup, p.Glu287fs (NM_203474.1); short protein forms E211fs, E282fs, E287fs, E288fs, E293fs, E317fs, E346fs, E395fs.
Identifiers: ClinVar variation 4076301 (VCV004076301.1).
Genomic context (GRCh38, chrX:48,514,552, plus strand): 5'-CCAAATGGATTTGCATATCTCTTCTGCCCCCAGGGACCTGACGGTGTCCAAGCCACTGAA[T>TGTGG]GTGGAGCTGCCTCGGTCAATGGTGGAAGTTGTCACAAGCTGGAACCTGCCCATGTCTTAT-3'

ClinVar aggregate classification (germline): Likely pathogenic (1 of 4 stars; one submission).

Conditions:
Focal dermal hypoplasia (FDH). Also called: Goltz syndrome. Identifiers: Orphanet 2092, MedGen C0016395, MONDO:0010592, OMIM 305600.

Submission:

Laboratorio de Genetica e Diagnostico Molecular, Hospital Israelita Albert Einstein
Classification: Likely pathogenic for Focal dermal hypoplasia. Last evaluated: 2023-12-10. Review status: criteria provided, single submitter. Criteria: ACMG Guidelines, 2015. Collection method: clinical testing. Allele origin: germline. Affected: yes.
Comment: ACMG classification criteria: PVS1 very strong, PM2 moderate